The following is an entry in ClinVar:

NM_000368.5(TSC1):c.630A>C (p.Lys210Asn)

Gene: TSC1 (TSC complex subunit 1; minus strand). Cytogenetic location: 9q34.13.
Variant type: single nucleotide variant.
Coding change: c.630A>C on transcript NM_000368.5 (MANE Select); coding-DNA position 630, A replaced by C.
Protein change: p.Lys210Asn; replaces lysine 210 with asparagine.
Molecular consequence: missense variant. On other transcripts: 5 prime UTR variant (5), non-coding transcript variant (5).
Genome position (GRCh38, 1-based): chr9:132,921,852, T>G on the plus strand (A>C on the coding strand, the complement: TSC1 is on the minus strand). VCF-style: chr9-132921852-T-G. GRCh37 (hg19) VCF-style: chr9-135797239-T-G.
Other names: c.630A>C, p.Lys210Asn (NM_001406598.1, NM_001406599.1, NM_001406600.1 and 16 more transcripts); c.477A>C, p.Lys159Asn (NM_001162427.2, NM_001406610.1, NM_001406611.1 and 2 more transcripts); c.267A>C, p.Lys89Asn (NM_001362177.2, NM_001406614.1, NM_001406615.1 and 10 more transcripts); c.-248A>C (NM_001406626.1, NM_001406627.1, NM_001406628.1); c.-390A>C (NM_001406629.1); c.-464A>C (NM_001406630.1); short protein forms K159N, K210N, K89N.
Identifiers: ClinVar variation 3974576 (VCV003974576.1).
Genomic context (GRCh38, chr9:132,921,852, plus strand): 5'-GCAAACAAACAAGCAGTTTCAATTTACCTTGACCACTTCTTCAAAAGTCTCCAGGTTTTC[T>G]TTCATACTGTAATGAGAACGCAAAAAGGAGACGAAGTTGCAAGGGTACATTCCATAAAGG-3'
Protein context (NP_000359.1, residues 200-220): VSFLRSHYSM[Lys210Asn]ENLETFEEVV

ClinVar aggregate classification (germline): Uncertain significance (1 of 4 stars; one submission).

Conditions:
Hereditary cancer-predisposing syndrome. Also called: Tumor predisposition; Hereditary neoplastic syndrome; Hereditary Cancer Syndrome; Neoplastic Syndromes, Hereditary. Identifiers: Orphanet 140162, MedGen C0027672, MeSH D009386, MONDO:0015356.

Submission:

Ambry Genetics
Classification: Uncertain significance for Hereditary cancer-predisposing syndrome. Last evaluated: 2025-06-02. Review status: criteria provided, single submitter. Criteria: Ambry Variant Classification Scheme 2023. Collection method: clinical testing. Allele origin: germline.
Comment: The p.K210N variant (also known as c.630A>C), located in coding exon 5 of the TSC1 gene, results from an A to C substitution at nucleotide position 630. The lysine at codon 210 is replaced by asparagine, an amino acid with similar properties. This amino acid position is conserved. In addition, the in silico prediction for this alteration is inconclusive. Based on the available evidence, the clinical significance of this variant remains unclear.